The following is an entry in ClinVar:

ClinVar aggregate classification (germline): Uncertain significance (1 of 4 stars; one submission).

Conditions:
Fanconi anemia (FA). Also called: Fanconi's anemia. Identifiers: Orphanet 84, MedGen C0015625, MeSH D005199, MONDO:0019391.

Allele frequency attached by ClinVar (database versions not stated): gnomAD exomes below 0.00001.
gnomAD v4.1: 1 of 1,559,474 alleles (0.000064%); highest among the groups gnomAD compares: South Asian, 0.0012%; no homozygotes.

Submission:

Labcorp Genetics (formerly Invitae), Labcorp
Classification: Uncertain significance for Fanconi anemia. Last evaluated: 2020-03-29. Review status: criteria provided, single submitter. Criteria: Invitae Variant Classification Sherloc (09022015). Collection method: clinical testing. Allele origin: germline.
Comment: In summary, the available evidence is currently insufficient to determine the role of this variant in disease. Therefore, it has been classified as a Variant of Uncertain Significance. Algorithms developed to predict the effect of missense changes on protein structure and function output the following: SIFT: "Tolerated"; PolyPhen-2: "Benign"; Align-GVGD: "Class C0". The glutamic acid amino acid residue is found in multiple mammalian species, suggesting that this missense change does not adversely affect protein function. These predictions have not been confirmed by published functional studies and their clinical significance is uncertain. This variant has not been reported in the literature in individuals with FANCM-related conditions. This variant is not present in population databases (ExAC no frequency). This sequence change replaces lysine with glutamic acid at codon 862 of the FANCM protein (p.Lys862Glu). The lysine residue is weakly conserved and there is a small physicochemical difference between lysine and glutamic acid.

NM_020937.4(FANCM):c.2584A>G (p.Lys862Glu)

Gene: FANCM (FA complementation group M; plus strand). Cytogenetic location: 14q21.2.
Variant type: single nucleotide variant.
Coding change: c.2584A>G on transcript NM_020937.4 (MANE Select); coding-DNA position 2584, A replaced by G.
Protein change: p.Lys862Glu; replaces lysine 862 with glutamic acid.
Molecular consequence: missense variant.
Genome position (GRCh38, 1-based): chr14:45,175,338, A>G. VCF-style: chr14-45175338-A-G. GRCh37 (hg19) VCF-style: chr14-45644541-A-G.
Other names: c.2506A>G, p.Lys836Glu (NM_001308133.2); short protein forms K836E, K862E.
Identifiers: ClinVar variation 1008492 (VCV001008492.8), dbSNP rs1888599671, ClinGen allele CA389598166.